The following is an entry in ClinVar:

NM_001458.5(FLNC):c.1802T>C (p.Val601Ala)

Gene: FLNC (filamin C; plus strand). Cytogenetic location: 7q32.1.
Variant type: single nucleotide variant.
Coding change: c.1802T>C on transcript NM_001458.5 (MANE Select); coding-DNA position 1802, T replaced by C.
Protein change: p.Val601Ala; replaces valine 601 with alanine.
Molecular consequence: missense variant.
Genome position (GRCh38, 1-based): chr7:128,840,959, T>C. VCF-style: chr7-128840959-T-C. GRCh37 (hg19) VCF-style: chr7-128481013-T-C.
Other names: c.1802T>C, p.Val601Ala (NM_001127487.2); short protein forms V601A.
Identifiers: ClinVar variation 539420 (VCV000539420.16), dbSNP rs763590899, ClinGen allele CA4474480.
Genomic context (GRCh38, chr7:128,840,959, plus strand): 5'-TGGAGACTGGCCAGGTGGGCAAGTCAGCCGATTTTGTGGTGGAAGCCATTGGCACCGAGG[T>C]GGGGACACTGGGTAAGTGGCTGGGGGGCAGGAGGAGGGAGTGCTGCGGGGGAGGGCAGCA-3'
Protein context (NP_001449.3, residues 591-611): DFVVEAIGTE[Val601Ala]GTLGFSIEGP

ClinVar aggregate classification (germline): Conflicting classifications of pathogenicity. Review status: criteria provided, conflicting classifications (1 of 4 stars). 5 submissions from 5 submitters: Uncertain significance (4); Likely benign (1). Last evaluated 2026-01-26.

Conditions:
Cardiovascular phenotype. Identifiers: MedGen CN230736.
Myofibrillar myopathy 5. Also called: FILAMINOPATHY, AUTOSOMAL DOMINANT; Filaminopathy (type). Identifiers: Orphanet 171445, MedGen C1836050, MONDO:0012289, OMIM 609524.
Distal myopathy with posterior leg and anterior hand involvement. Also called: WILLIAMS DISTAL MYOPATHY. Identifiers: Orphanet 63273, MedGen C3279722, MONDO:0013550, OMIM 614065.
Hypertrophic cardiomyopathy 26. Also called: Cardiomyopathy, familial hypertrophic, 26. Identifiers: Orphanet 75249, MedGen C4310749, MONDO:0014883, OMIM 617047.

Allele frequency attached by ClinVar (database versions not stated): gnomAD exomes 0.00002 and 0.00003; ExAC 0.00003; gnomAD 0.00004; TOPMed 0.00006.
gnomAD v4.1: 30 of 1,586,984 alleles (0.0019%); highest among the groups gnomAD compares: Admixed American, 0.023%; no homozygotes.

Submissions (5):

Labcorp Genetics (formerly Invitae), Labcorp
Classification: Likely benign for Distal myopathy with posterior leg and anterior hand involvement; Myofibrillar myopathy 5; Hypertrophic cardiomyopathy 26. Last evaluated: 2026-01-26. Review status: criteria provided, single submitter. Criteria: Invitae Variant Classification Sherloc (09022015). Collection method: clinical testing. Allele origin: germline.

Ambry Genetics
Classification: Uncertain significance for Cardiovascular phenotype. Last evaluated: 2025-09-03. Review status: criteria provided, single submitter. Criteria: Ambry Variant Classification Scheme 2023. Collection method: clinical testing. Allele origin: germline.
Comment: The p.V601A variant (also known as c.1802T>C), located in coding exon 11 of the FLNC gene, results from a T to C substitution at nucleotide position 1802. The valine at codon 601 is replaced by alanine, an amino acid with similar properties. This amino acid position is highly conserved in available vertebrate species. In addition, the in silico prediction for this alteration is inconclusive. Based on the available evidence, the clinical significance of this variant remains unclear.

GeneDx
Classification: Uncertain significance. Last evaluated: 2024-12-22. Review status: criteria provided, single submitter. Criteria: GeneDx Variant Classification Process June 2021. Collection method: clinical testing. Allele origin: germline. Affected: yes.
Comment: In silico analysis supports that this missense variant has a deleterious effect on protein structure/function; Has not been previously published as pathogenic or benign to our knowledge

ARUP Laboratories, Molecular Genetics and Genomics, ARUP Laboratories
Classification: Uncertain significance. Last evaluated: 2023-04-24. Review status: criteria provided, single submitter. Criteria: ARUP Molecular Germline Variant Investigation Process 2024. Collection method: clinical testing. Allele origin: germline.
Comment: The FLNC c.1802T>C; p.Val601Ala variant (rs763590899), to our knowledge, is not reported in the medical literature but is reported in ClinVar (Variation ID: 539420). This variant is found in the general population with an overall allele frequency of 0.0038% (9/239,908 alleles) in the Genome Aggregation Database. Computational analyses predict that this variant is deleterious (REVEL: 0.727). Due to limited information, the clinical significance of this variant is uncertain at this time.

Stanford Center for Inherited Cardiovascular Disease, Stanford University
Classification: Uncertain significance. Last evaluated: 2017-09-28. Review status: criteria provided, single submitter. Criteria: ACMG Guidelines, 2015. Collection method: provider interpretation. Allele origin: germline.